The following is an entry in ClinVar:

NM_018136.5(ASPM):c.9454C>T (p.Arg3152Ter)

Gene: ASPM (assembly factor for spindle microtubules; minus strand). Cytogenetic location: 1q31.3.
Variant type: single nucleotide variant.
Coding change: c.9454C>T on transcript NM_018136.5 (MANE Select); coding-DNA position 9454, C replaced by T.
Protein change: p.Arg3152Ter; replaces arginine 3152 with a stop codon.
Molecular consequence: nonsense.
Genome position (GRCh38, 1-based): chr1:197,091,032, G>A on the plus strand (C>T on the coding strand, the complement: ASPM is on the minus strand). VCF-style: chr1-197091032-G-A. GRCh37 (hg19) VCF-style: chr1-197060162-G-A.
Other names: c.4699C>T, p.Arg1567Ter (NM_001206846.2); short protein forms R3152*, R1567*.
Identifiers: ClinVar variation 157913 (VCV000157913.9), dbSNP rs587783292, ClinGen allele CA271149.

ClinVar aggregate classification (germline): Pathogenic/Likely pathogenic. Review status: criteria provided, multiple submitters, no conflicts (2 of 4 stars). 3 submissions from 3 submitters: Pathogenic (2); Likely pathogenic (1). Last evaluated 2025-12-27.

Conditions:
Microcephaly 5, primary, autosomal recessive (MCPH5). Also called: ASPM Primary Microcephaly. Identifiers: Orphanet 2512, MedGen C1837501, MONDO:0012106, OMIM 608716.

Allele frequency attached by ClinVar (database versions not stated): gnomAD 0.00001; gnomAD exomes 0.00001; TOPMed 0.00001; ExAC 0.00002.
gnomAD v4.1: 8 of 1,609,014 alleles (0.0005%); highest among the groups gnomAD compares: African/African-American, 0.0013%; no homozygotes.

Submissions (3):

GeneDx
Classification: Likely pathogenic. Last evaluated: 2025-12-27. Review status: criteria provided, single submitter. Criteria: GeneDx Variant Classification Process June 2021. Collection method: clinical testing. Allele origin: germline. Affected: yes.
Comment: Reported with a second variant in ASPM in a patient with microcephaly in published literature (PMID: 23611254); Not observed at significant frequency in large population cohorts (gnomAD); Nonsense variant predicted to result in protein truncation or nonsense mediated decay in a gene for which loss of function is a known mechanism of disease; This variant is associated with the following publications: (PMID: 23611254)

Genome-Nilou Lab
Classification: Pathogenic for Microcephaly 5, primary, autosomal recessive. Last evaluated: 2023-04-11. Review status: criteria provided, single submitter. Criteria: ACMG Guidelines, 2015. Collection method: clinical testing. Allele origin: germline. Affected: no.

Genetic Services Laboratory, University of Chicago
Classification: Pathogenic for Microcephaly 5, primary, autosomal recessive. Last evaluated: 2013-02-08. Review status: criteria provided, single submitter. Criteria: ACMG Guidelines, 2007. Collection method: clinical testing. Allele origin: germline. Inheritance: Autosomal recessive inheritance. Affected: yes.